The following is an entry in ClinVar:

ClinVar aggregate classification (germline): Pathogenic/Likely pathogenic. Review status: criteria provided, multiple submitters, no conflicts (2 of 4 stars). 4 submissions from 4 submitters: Pathogenic (1); Likely pathogenic (3). Last evaluated 2026-01-05.

Conditions:
Cardiovascular phenotype. Identifiers: MedGen CN230736.
Dilated cardiomyopathy 1G (CMD1G). Identifiers: Orphanet 154, MedGen C1858763, MONDO:0011400, OMIM 604145.
Autosomal recessive limb-girdle muscular dystrophy type 2J (LGMDR10). Also called: Limb-girdle muscular dystrophy, type 2J; MUSCULAR DYSTROPHY, LIMB-GIRDLE, AUTOSOMAL RECESSIVE 10. Identifiers: Orphanet 140922, MedGen C1837342, MONDO:0012127, OMIM 608807.

Submissions (4):

Labcorp Genetics (formerly Invitae), Labcorp
Classification: Likely pathogenic for Dilated cardiomyopathy 1G; Autosomal recessive limb-girdle muscular dystrophy type 2J. Last evaluated: 2026-01-05. Review status: criteria provided, single submitter. Criteria: Invitae Variant Classification Sherloc (09022015). Collection method: clinical testing. Allele origin: germline.
Comment: This sequence change creates a premature translational stop signal (p.Thr27082Argfs*10) in the TTN gene. While this is not anticipated to result in nonsense mediated decay, it is expected to create a truncated TTN protein. This variant is present in population databases (rs749610641, gnomAD 0.002%). This variant has not been reported in the literature in individuals affected with TTN-related conditions. ClinVar contains an entry for this variant (Variation ID: 429898). This variant is located in the A band of TTN (PMID: 25589632). Truncating variants in this region are significantly overrepresented in patients affected with dilated cardiomyopathy (PMID: 25589632). Truncating variants in this region have also been reported in individuals affected with autosomal recessive centronuclear myopathy (PMID: 23975875). In summary, the currently available evidence indicates that the variant is pathogenic, but additional data are needed to prove that conclusively. Therefore, this variant has been classified as Likely Pathogenic.

Clinical Genetics Laboratory, Skane University Hospital Lund
Classification: Likely pathogenic for Dilated cardiomyopathy 1G. Last evaluated: 2025-07-03. Review status: criteria provided, single submitter. Criteria: ACMG Guidelines, 2015. Collection method: clinical testing. Allele origin: germline. Affected: yes.
Comment: ACMG-criteria used: PVS1, PM2

Ambry Genetics
Classification: Likely pathogenic for Cardiovascular phenotype. Last evaluated: 2020-03-20. Review status: criteria provided, single submitter. Criteria: Ambry Variant Classification Scheme 2023. Collection method: clinical testing. Allele origin: germline.
Comment: The c.54048_54066del19 variant located in coding exon 153 of the TTN gene, results from the deletion of 19 nucleotides at positions 54048 to 54066, causing a translational frameshift with a predicted alternate stop codon (p.T18017Rfs*10). This exon is located in the A-band region of the N2-B isoform of the titin protein and is constitutively expressed in TTN transcripts (percent spliced in or PSI 100%). This alteration is expected to result in loss of function by premature protein truncation or nonsense-mediated mRNA decay. While truncating variants in TTN are present in 1-3% of the general population, truncating variants in the A-band are the most common cause of dilated cardiomyopathy (DCM) (Herman DS et al. N. Engl. J. Med., 2012 Feb;366:619-28; Roberts AM et al. Sci Transl Med, 2015 Jan;7:270ra6). TTN truncating variants encoded in constitutive exons (PSI >90%) have been found to be significantly associated with DCM regardless of their position in titin (Schafer S et al. Nat. Genet., 2017 01;49:46-53). As such, this alteration is classified as likely pathogenic.

GeneDx
Classification: Pathogenic. Last evaluated: 2015-09-16. Review status: criteria provided, single submitter. Criteria: GeneDx Variant Classification (06012015). Collection method: clinical testing. Allele origin: germline. Affected: yes.
Comment: The c.76320_76338del19 deletion in the TTN gene has not been reported previously as a pathogenic variant or as a benign variant, to our knowledge. c.76320_76338del19 causes a shift in reading frame starting at codon Threonine 25441, changing it to an Arginine, and creating a premature stop codon at position 10 of the new reading frame, denoted p.Thr25441ArgfsX10. This pathogenic variant is expected to result in either an abnormal, truncated protein product or loss of protein from this allele through nonsense-mediated mRNA decay. Other truncating TTN variants have been reported in approximately 3% of control alleles (Herman et al., 2012). However, c.76320_76338del19 is located in the A-band region of titin, where the majority of pathogenic truncating variants associated with DCM have been reported (Herman et al., 2012). In summary, c.76320_76338del19 in the TTN gene is interpreted as a pathogenic variant.

Literature cited by the submitters: PubMed 25589632 (cited by Labcorp Genetics (formerly Invitae), Labcorp); PubMed 23975875 (cited by Labcorp Genetics (formerly Invitae), Labcorp).

NM_001267550.2(TTN):c.81243_81261del (p.Thr27082fs)

Genes: TTN (titin; minus strand), TTN-AS1 (TTN antisense RNA 1; plus strand). Cytogenetic location: 2q31.2.
Variant type: Deletion.
Coding change: c.81243_81261del on transcript NM_001267550.2 (MANE Select); coding-DNA positions 81243 to 81261, 19 bases deleted (GACATCAATCTCAAAAGAT).
Protein change: p.Thr27082fs; shifts the reading frame from threonine 27082.
Molecular consequence: frameshift variant.
Genome position (GRCh38, 1-based): chr2:178,564,871-178,564,889, ATCTTTTGAGATTGATGTC deleted on the plus strand (GACATCAATCTCAAAAGAT on the coding strand, the reverse complement: TTN is on the minus strand); deleting any 19 consecutive bases within chr2:178,564,871-178,564,890 gives the same sequence; the c. name uses the placement nearest the transcript's 3' end. VCF-style (leftmost placement, unchanged base first): chr2-178564870-GATCTTTTGAGATTGATGTC-G. GRCh37 (hg19) VCF-style: chr2-179429597-GATCTTTTGAGATTGATGTC-G.
Other names: c.76320_76338delGACATCAATCTCAAAAGAT (NM_001256850.1); c.76320_76338del, p.Thr25441fs (NM_001256850.1); c.54048_54066del, p.Thr18017fs (NM_003319.4); c.73539_73557del, p.Thr24514fs (NM_133378.4); c.54423_54441del, p.Thr18142fs (NM_133432.3); c.54624_54642del, p.Thr18209fs (NM_133437.4); c.76320_76338del19 (NM_001256850.1); c.54048_54066del19 (NM_003319.4); short protein forms T18142fs, T24514fs, T25441fs, T18017fs, T18209fs, T27082fs.
Identifiers: ClinVar variation 429898 (VCV000429898.13), dbSNP rs749610641, ClinGen allele CA1989233.